The following is an entry in ClinVar:

NM_017637.6(BNC2):c.681C>T (p.Gly227=)

Gene: BNC2 (basonuclin zinc finger protein 2; minus strand). Cytogenetic location: 9p22.3.
Variant type: single nucleotide variant.
Coding change: c.681C>T on transcript NM_017637.6 (MANE Select); coding-DNA position 681, C replaced by T.
Protein change: p.Gly227=; no amino-acid change (glycine 227 retained).
Molecular consequence: synonymous variant.
Genome position (GRCh38, 1-based): chr9:16,437,513, G>A on the plus strand (C>T on the coding strand, the complement: BNC2 is on the minus strand). VCF-style: chr9-16437513-G-A. GRCh37 (hg19) VCF-style: chr9-16437511-G-A.
Other names: c.555C>T, p.Gly185= (NM_001317939.2); c.396C>T, p.Gly132= (NM_001317940.2).
Identifiers: ClinVar variation 4809275 (VCV004809275.2).

ClinVar aggregate classification (germline): Likely benign. Review status: criteria provided, multiple submitters, no conflicts (2 of 4 stars). 2 submissions from 2 submitters: Likely benign (2). Last evaluated 2025-11-23.

Conditions:
BNC2-related disorder. Also called: BNC2-related condition.

gnomAD v4.1: 89 of 1,612,520 alleles (0.0055%); highest among the groups gnomAD compares: Middle Eastern, 0.082%; no homozygotes.

Submissions (2):

Labcorp Genetics (formerly Invitae), Labcorp
Classification: Likely benign. Last evaluated: 2025-11-23. Review status: criteria provided, single submitter. Criteria: Invitae Variant Classification Sherloc (09022015). Collection method: clinical testing. Allele origin: germline.

PreventionGenetics, part of Exact Sciences
Classification: Likely benign for BNC2-related condition. Last evaluated: 2025-01-16. Review status: criteria provided, single submitter. Criteria: ACMG Guidelines, 2015. Collection method: clinical testing. Allele origin: germline.
Comment: This variant is classified as likely benign based on ACMG/AMP sequence variant interpretation guidelines (Richards et al. 2015 PMID: 25741868, with internal and published modifications).